The following is an entry in ClinVar:

NM_001173990.3(TMEM216):c.229+1G>A

Gene: TMEM216 (transmembrane protein 216; plus strand). Cytogenetic location: 11q12.2.
Variant type: single nucleotide variant.
Coding change: c.229+1G>A on transcript NM_001173990.3 (MANE Select); the canonical splice donor site of the intron after coding-DNA position 229, G replaced by A.
Molecular consequence: splice donor variant.
Genome position (GRCh38, 1-based): chr11:61,393,977, G>A. VCF-style: chr11-61393977-G-A. GRCh37 (hg19) VCF-style: chr11-61161449-G-A.
Other names: c.46+1G>A (NM_016499.6, NM_001330285.2); c.229+1G>A (NM_001173991.3).
Identifiers: ClinVar variation 1494212 (VCV001494212.8), dbSNP rs2135191306, ClinGen allele CA380685204.

ClinVar aggregate classification (germline): Likely pathogenic. Review status: criteria provided, multiple submitters, no conflicts (2 of 4 stars). 3 submissions from 3 submitters: Likely pathogenic (3). Last evaluated 2024-03-12.

Conditions:
Joubert syndrome 2 (JBTS2). Also called: CEREBELLOOCULORENAL SYNDROME 2. Identifiers: Orphanet 2318, MedGen C1842577, MONDO:0011963, OMIM 608091.
Meckel syndrome, type 2 (MKS2). Also called: MKS2-Related Meckel Syndrome; MECKEL-GRUBER SYNDROME, TYPE 2. Identifiers: Orphanet 564, MedGen C1864148, MONDO:0011296, OMIM 603194.
Joubert syndrome. Also called: CEREBELLOPARENCHYMAL DISORDER IV; JOUBERT-BOLTSHAUSER SYNDROME; Familial aplasia of the vermis. Identifiers: Orphanet 475, MedGen C5979921, MONDO:0018772.

Allele frequency attached by ClinVar (database versions not stated): gnomAD exomes below 0.00001.
gnomAD v4.1: 1 of 1,613,726 alleles (0.000062%); highest among the groups gnomAD compares: Non-Finnish European, 0.000085%; no homozygotes.

Submissions (3):

Fulgent Genetics
Classification: Likely pathogenic for Meckel syndrome, type 2; Joubert syndrome 2. Last evaluated: 2024-03-12. Review status: criteria provided, single submitter. Criteria: ACMG Guidelines, 2015. Collection method: clinical testing. Allele origin: germline.

Baylor Genetics
Classification: Likely pathogenic for Joubert syndrome 2. Last evaluated: 2023-10-10. Review status: criteria provided, single submitter. Criteria: ACMG Guidelines, 2015. Collection method: clinical testing. Allele origin: unknown.

Labcorp Genetics (formerly Invitae), Labcorp
Classification: Likely pathogenic for Joubert syndrome. Last evaluated: 2023-07-07. Review status: criteria provided, single submitter. Criteria: Invitae Variant Classification Sherloc (09022015). Collection method: clinical testing. Allele origin: germline.
Comment: This variant is not present in population databases (gnomAD no frequency). This sequence change affects a donor splice site in intron 3 of the TMEM216 gene. It is expected to disrupt RNA splicing. Variants that disrupt the donor or acceptor splice site typically lead to a loss of protein function (PMID: 16199547), and loss-of-function variants in TMEM216 are known to be pathogenic (PMID: 20512146). ClinVar contains an entry for this variant (Variation ID: 1494212). In summary, the currently available evidence indicates that the variant is pathogenic, but additional data are needed to prove that conclusively. Therefore, this variant has been classified as Likely Pathogenic. Algorithms developed to predict the effect of sequence changes on RNA splicing suggest that this variant may disrupt the consensus splice site. This variant has not been reported in the literature in individuals affected with TMEM216-related conditions.

Literature cited by the submitters: PubMed 16199547 (cited by Labcorp Genetics (formerly Invitae), Labcorp); PubMed 20512146 (cited by Labcorp Genetics (formerly Invitae), Labcorp).